The following is an entry in ClinVar:

ClinVar aggregate classification (germline): Uncertain significance (1 of 4 stars; one submission).

Allele frequency attached by ClinVar (database versions not stated): gnomAD 0.00001.
gnomAD v4.1: 25 of 1,614,046 alleles (0.0015%); highest among the groups gnomAD compares: Non-Finnish European, 0.002%; no homozygotes.

Submission:

Labcorp Genetics (formerly Invitae), Labcorp
Classification: Uncertain significance. Last evaluated: 2022-05-15. Review status: criteria provided, single submitter. Criteria: Invitae Variant Classification Sherloc (09022015). Collection method: clinical testing. Allele origin: germline.
Comment: This sequence change replaces arginine, which is basic and polar, with glutamine, which is neutral and polar, at codon 276 of the COQ9 protein (p.Arg276Gln). This variant is not present in population databases (gnomAD no frequency). This variant has not been reported in the literature in individuals affected with COQ9-related conditions. Algorithms developed to predict the effect of missense changes on protein structure and function are either unavailable or do not agree on the potential impact of this missense change (SIFT: "Deleterious"; PolyPhen-2: "Probably Damaging"; Align-GVGD: "Class C0"). In summary, the available evidence is currently insufficient to determine the role of this variant in disease. Therefore, it has been classified as a Variant of Uncertain Significance.

NM_020312.4(COQ9):c.827G>A (p.Arg276Gln)

Gene: COQ9 (coenzyme Q9; plus strand). Cytogenetic location: 16q21.
Variant type: single nucleotide variant.
Coding change: c.827G>A on transcript NM_020312.4 (MANE Select); coding-DNA position 827, G replaced by A.
Protein change: p.Arg276Gln; replaces arginine 276 with glutamine.
Molecular consequence: missense variant.
Genome position (GRCh38, 1-based): chr16:57,459,680, G>A. VCF-style: chr16-57459680-G-A. GRCh37 (hg19) VCF-style: chr16-57493592-G-A.
Other names: short protein forms R276Q.
Identifiers: ClinVar variation 2089203 (VCV002089203.4), dbSNP rs1357347865, ClinGen allele CA396030322.